The following is an entry in ClinVar:

ClinVar aggregate classification (germline): Likely benign. Review status: criteria provided, multiple submitters, no conflicts (2 of 4 stars). 2 submissions from 2 submitters: Likely benign (2). Last evaluated 2025-07-22.

Conditions:
Lynch syndrome 4 (LYNCH4). Also called: Hereditary non-polyposis colorectal cancer, type 4; Colorectal cancer, hereditary nonpolyposis, type 4. Identifiers: Orphanet 144, MedGen C1838333, MONDO:0013699, OMIM 614337. Disease mechanism: loss of function.
Hereditary nonpolyposis colorectal neoplasms. Identifiers: MedGen C0009405, MeSH D003123.

Submissions (2):

Labcorp Genetics (formerly Invitae), Labcorp
Classification: Likely benign for Hereditary nonpolyposis colorectal neoplasms. Last evaluated: 2025-07-22. Review status: criteria provided, single submitter. Criteria: Invitae Variant Classification Sherloc (09022015). Collection method: clinical testing. Allele origin: germline.

Myriad Genetics, Inc.
Classification: Likely benign for Lynch syndrome 4. Last evaluated: 2025-01-23. Review status: criteria provided, single submitter. Criteria: Myriad Autosomal Dominant, Autosomal Recessive and X-Linked Classification Criteria (2023). Collection method: clinical testing. Allele origin: unknown.
Comment: This variant is considered likely benign. This variant is intronic and is not expected to impact mRNA splicing.

NM_000535.7(PMS2):c.250+10C>T

Gene: PMS2 (PMS1 homolog 2, mismatch repair system component; minus strand). Cytogenetic location: 7p22.1.
Variant type: single nucleotide variant.
Coding change: c.250+10C>T on transcript NM_000535.7 (MANE Select); 10 bases into the intron after coding-DNA position 250, C replaced by T.
Molecular consequence: intron variant.
Genome position (GRCh38, 1-based): chr7:6,003,962, G>A on the plus strand (C>T on the coding strand, the complement: PMS2 is on the minus strand). VCF-style: chr7-6003962-G-A. GRCh37 (hg19) VCF-style: chr7-6043593-G-A.
Other names: c.35+10C>T (NM_001322008.2, NM_001322007.2); c.-156+10C>T (NM_001322010.2, NM_001322004.2, NM_001322013.2 and 3 more transcripts); c.-635+10C>T (NM_001322012.2, NM_001322011.2); c.-235+10C>T (NM_001322015.2); c.250+10C>T (NM_001322006.2, NM_001322014.2).
Identifiers: ClinVar variation 1653960 (VCV001653960.9), dbSNP rs368113288, ClinGen allele CA2573141983.